The following is an entry in ClinVar:

ClinVar aggregate classification (germline): Conflicting classifications of pathogenicity. Review status: criteria provided, conflicting classifications (1 of 4 stars). 2 submissions from 2 submitters: Uncertain significance (1); Likely benign (1). Last evaluated 2024-03-01.

Conditions:
Inborn genetic diseases. Identifiers: MedGen C0950123, MeSH D030342.

Allele frequency attached by ClinVar (database versions not stated): TOPMed 0.00002; gnomAD 0.00003; gnomAD exomes 0.00010.
gnomAD v4.1: 129 of 1,443,320 alleles (0.0089%); highest among the groups gnomAD compares: Non-Finnish European, 0.011%; no homozygotes.

Submissions (2):

Ambry Genetics
Classification: Uncertain significance for Inborn genetic diseases. Last evaluated: 2024-03-01. Review status: criteria provided, single submitter. Criteria: Ambry Variant Classification Scheme 2023. Collection method: clinical testing. Allele origin: germline.

CeGaT Center for Human Genetics Tuebingen
Classification: Likely benign. Last evaluated: 2023-05-01. Review status: criteria provided, single submitter. Criteria: CeGaT Center For Human Genetics Tuebingen Variant Classification Criteria Version 2. Collection method: clinical testing. Allele origin: germline. Affected: yes. Observed: 1 variant allele.
Comment: CIC: BP4

NM_001386298.1(CIC):c.7499C>A (p.Ala2500Asp)

Gene: CIC (capicua transcriptional repressor; plus strand). Cytogenetic location: 19q13.2.
Variant type: single nucleotide variant.
Coding change: c.7499C>A on transcript NM_001386298.1 (MANE Select); coding-DNA position 7499, C replaced by A.
Protein change: p.Ala2500Asp; replaces alanine 2500 with aspartic acid.
Molecular consequence: missense variant.
Genome position (GRCh38, 1-based): chr19:42,295,136, C>A. VCF-style: chr19-42295136-C-A. GRCh37 (hg19) VCF-style: chr19-42799288-C-A.
Other names: c.7499C>A, p.Ala2500Asp (NM_001304815.2); c.7496C>A, p.Ala2499Asp (NM_001379480.1, NM_001379482.1, NM_001379483.1); c.4766C>A, p.Ala1589Asp (NM_001379484.1); c.4763C>A, p.Ala1588Asp (NM_001379485.1); c.4772C>A, p.Ala1591Asp (NM_015125.5); c.4772C>A (NM_015125.3); short protein forms A1588D, A1589D, A1591D, A2499D, A2500D.
Identifiers: ClinVar variation 2650025 (VCV002650025.25), dbSNP rs754808317, ClinGen allele CA308636715.